The following is an entry in ClinVar:

NC_000016.10:g.67660909A>G

Genes: ACD (ACD shelterin complex subunit and telomerase recruitment factor; minus strand), LOC130059225 (ATAC-STARR-seq lymphoblastoid silent region 7618; plus strand). Cytogenetic location: 16q22.1.
Variant type: single nucleotide variant.
Genome position: GRCh38 VCF-style: chr16-67660909-A-G. GRCh37 (hg19) VCF-style: chr16-67694812-A-G.
Identifiers: ClinVar variation 1707123 (VCV001707123.3), dbSNP rs112770259, ClinGen allele CA283219194.

ClinVar aggregate classification (germline): Likely benign (1 of 4 stars; one submission).

Allele frequency attached by ClinVar (database versions not stated): 1000 Genomes Project 0.00599; gnomAD exomes 0.00044; gnomAD 0.00506; TOPMed 0.00582; 1000 Genomes Project 30x 0.00593.

Submission:

GeneDx
Classification: Likely benign. Last evaluated: 2019-06-15. Review status: criteria provided, single submitter. Criteria: GeneDx Variant Classification Process June 2021. Collection method: clinical testing. Allele origin: germline. Affected: yes.
Comment: See Variant Classification Assertion Criteria.